The following is an entry in ClinVar:

ClinVar aggregate classification (germline): Uncertain significance. Review status: criteria provided, multiple submitters, no conflicts (2 of 4 stars). 2 submissions from 2 submitters: Uncertain significance (2). Last evaluated 2025-02-05.

Allele frequency attached by ClinVar (database versions not stated): gnomAD 0.00003; TOPMed 0.00003; ExAC 0.00007; 1000 Genomes Project 30x 0.00016; 1000 Genomes Project 0.00020.
gnomAD v4.1: 21 of 1,614,114 alleles (0.0013%); highest among the groups gnomAD compares: East Asian, 0.04%; no homozygotes.

Submissions (2):

Ambry Genetics
Classification: Uncertain significance. Last evaluated: 2025-02-05. Review status: criteria provided, single submitter. Criteria: Ambry Variant Classification Scheme 2023. Collection method: clinical testing. Allele origin: germline.

Labcorp Genetics (formerly Invitae), Labcorp
Classification: Uncertain significance. Last evaluated: 2024-12-23. Review status: criteria provided, single submitter. Criteria: Invitae Variant Classification Sherloc (09022015). Collection method: clinical testing. Allele origin: germline.
Comment: This sequence change replaces lysine, which is basic and polar, with arginine, which is basic and polar, at codon 325 of the SRP72 protein (p.Lys325Arg). This variant is present in population databases (rs564432603, gnomAD 0.07%). This variant has not been reported in the literature in individuals affected with SRP72-related conditions. ClinVar contains an entry for this variant (Variation ID: 2962960). Invitae Evidence Modeling of protein sequence and biophysical properties (such as structural, functional, and spatial information, amino acid conservation, physicochemical variation, residue mobility, and thermodynamic stability) indicates that this missense variant is not expected to disrupt SRP72 protein function with a negative predictive value of 80%. In summary, the available evidence is currently insufficient to determine the role of this variant in disease. Therefore, it has been classified as a Variant of Uncertain Significance.

NM_006947.4(SRP72):c.974A>G (p.Lys325Arg)

Gene: SRP72 (signal recognition particle 72; plus strand). Cytogenetic location: 4q12.
Variant type: single nucleotide variant.
Coding change: c.974A>G on transcript NM_006947.4 (MANE Select); coding-DNA position 974, A replaced by G.
Protein change: p.Lys325Arg; replaces lysine 325 with arginine.
Molecular consequence: missense variant. On other transcripts: non-coding transcript variant (1).
Genome position (GRCh38, 1-based): chr4:56,484,752, A>G. VCF-style: chr4-56484752-A-G. GRCh37 (hg19) VCF-style: chr4-57350918-A-G.
Other names: c.974A>G (NM_006947.3); c.791A>G, p.Lys264Arg (NM_001267722.2); short protein forms K325R, K264R.
Identifiers: ClinVar variation 2962960 (VCV002962960.5), dbSNP rs564432603, ClinGen allele CA2931246.